The following is an entry in ClinVar:

ClinVar aggregate classification (germline): Conflicting classifications of pathogenicity. Review status: criteria provided, conflicting classifications (1 of 4 stars). 4 submissions from 4 submitters: Uncertain significance (2); Likely benign (1). 1 of the submissions does not count toward it. Last evaluated 2026-02-01.

Conditions:
MYOM1-related disorder.
Hypertrophic cardiomyopathy. Also called: HYPERTROPHIC MYOCARDIOPATHY. Identifiers: Orphanet 217569, MedGen C0007194, MeSH D002312, MONDO:0005045, HP:0001639.

Allele frequency attached by ClinVar (database versions not stated): gnomAD exomes 0.00021 and 0.00027; gnomAD 0.00023 and 0.00024; ExAC 0.00024; TOPMed 0.00025; 1000 Genomes Project 30x 0.00031; ESP Exome Variant Server 0.00033; 1000 Genomes Project 0.00040.
gnomAD v4.1: 366 of 1,612,752 alleles (0.023%); highest among the groups gnomAD compares: Middle Eastern, 1.3%; 6 homozygotes.

Submissions (4):

Labcorp Genetics (formerly Invitae), Labcorp
Classification: Likely benign for Hypertrophic cardiomyopathy. Last evaluated: 2026-02-01. Review status: criteria provided, single submitter. Criteria: Invitae Variant Classification Sherloc (09022015). Collection method: clinical testing. Allele origin: germline.

Center for Genomics, Ann and Robert H. Lurie Children's Hospital of Chicago
Classification: Uncertain significance. Last evaluated: 2021-03-30. Review status: criteria provided, single submitter. Criteria: ACMG Guidelines, 2015. Collection method: clinical testing. Allele origin: germline.
Comment: MYOM1 NM_003803.3 exon 23 p.Arg1183Gln (c.3548G>A): This variant has not been reported in the literature and is present in 0.3% (34/10118) of Ashkenazi Jewish alleles in the Genome Aggregation Database. This variant is present in ClinVar (Variation ID:229025). Evolutionary conservation and computational predictive tools suggest that this variant may impact the protein. In summary, data on this variant is insufficient for disease classification. Therefore, the clinical significance of this variant is uncertain.

Laboratory for Molecular Medicine, Mass General Brigham Personalized Medicine
Classification: Uncertain significance. Last evaluated: 2015-10-30. Review status: criteria provided, single submitter. Criteria: LMM Criteria. Collection method: clinical testing. Allele origin: germline. Observed: 2 variant alleles.
Comment: The p.Arg1183Gln variant in MYOM1 has not been previously reported in individual s with cardiomyopathy, but has been identified in 27/66568 European chromosomes by the Exome Aggregation Consortium (ExAC; dbSNP rs147050513). Computational prediction tools and conservation analysis suggest that this variant may impact the protein, though this information is not predict ive enough to determine pathogenicity. In summary, the clinical significance of the p.Arg1183Gln variant is uncertain.

PreventionGenetics, part of Exact Sciences
Classification: Likely benign for MYOM1-related condition. Last evaluated: 2019-07-25. Review status: no assertion criteria provided. Collection method: clinical testing. Allele origin: germline. Not counted in ClinVar's aggregate classification.
Comment: This variant is classified as likely benign based on ACMG/AMP sequence variant interpretation guidelines (Richards et al. 2015 PMID: 25741868, with internal and published modifications).

NM_003803.4(MYOM1):c.3548G>A (p.Arg1183Gln)

Gene: MYOM1 (myomesin 1; minus strand). Cytogenetic location: 18p11.31.
Variant type: single nucleotide variant.
Coding change: c.3548G>A on transcript NM_003803.4 (MANE Select); coding-DNA position 3548, G replaced by A.
Protein change: p.Arg1183Gln; replaces arginine 1183 with glutamine.
Molecular consequence: missense variant.
Genome position (GRCh38, 1-based): chr18:3,102,501, C>T on the plus strand (G>A on the coding strand, the complement: MYOM1 is on the minus strand). VCF-style: chr18-3102501-C-T. GRCh37 (hg19) VCF-style: chr18-3102499-C-T.
Other names: c.3260G>A, p.Arg1087Gln (NM_019856.2); short protein forms R1183Q, R1087Q.
Identifiers: ClinVar variation 229025 (VCV000229025.21), dbSNP rs147050513, ClinGen allele CA8874264.